The following is an entry in ClinVar:

ClinVar aggregate classification (germline): Pathogenic (1 of 4 stars; one submission).

Submission:

Labcorp Genetics (formerly Invitae), Labcorp
Classification: Pathogenic. Last evaluated: 2024-12-11. Review status: criteria provided, single submitter. Criteria: Invitae Variant Classification Sherloc (09022015). Collection method: clinical testing. Allele origin: germline.
Comment: This sequence change creates a premature translational stop signal (p.Tyr155*) in the MBD4 gene. It is expected to result in an absent or disrupted protein product. Loss-of-function variants in MBD4 are known to be pathogenic (PMID: 30049810, 35460607). This variant is not present in population databases (gnomAD no frequency). This variant has not been reported in the literature in individuals affected with MBD4-related conditions. For these reasons, this variant has been classified as Pathogenic.

Literature cited by the submitters: PubMed 30049810; PubMed 35460607.

NM_001276270.2(MBD4):c.465T>A (p.Tyr155Ter)

Gene: MBD4 (methyl-CpG binding domain 4, DNA glycosylase; minus strand). Cytogenetic location: 3q21.3.
Variant type: single nucleotide variant.
Coding change: c.465T>A on transcript NM_001276270.2 (MANE Select); coding-DNA position 465, T replaced by A.
Protein change: p.Tyr155Ter; replaces tyrosine 155 with a stop codon.
Molecular consequence: nonsense. On other transcripts: intron variant (1).
Genome position (GRCh38, 1-based): chr3:129,437,179, A>T on the plus strand (T>A on the coding strand, the complement: MBD4 is on the minus strand). VCF-style: chr3-129437179-A-T. GRCh37 (hg19) VCF-style: chr3-129156022-A-T.
Other names: c.465T>A, p.Tyr155Ter (NM_001276271.2, NM_001276272.2, NM_003925.3); c.247+629T>A (NM_001276273.2); short protein forms Y155*.
Identifiers: ClinVar variation 3727063 (VCV003727063.2).
Genomic context (GRCh38, chr3:129,437,179, plus strand): 5'-GTTTGAATTGTTACTTTGGTTTTGTAGATGGGATGTCAGGGCTGCCATGCTGCAGTCTTT[A>T]TATCTTGACTTGATACCCCTTTTAGAAAGTACAGTAAAATCAAAATCTTCTGGCTTAAGA-3'